The following is an entry in ClinVar:

ClinVar aggregate classification (germline): Uncertain significance. Review status: criteria provided, multiple submitters, no conflicts (2 of 4 stars). 3 submissions from 3 submitters: Uncertain significance (3). Last evaluated 2024-10-11.

Conditions:
Combined immunodeficiency due to STIM1 deficiency. Also called: STIM1 DEFICIENCY; IMMUNODEFICIENCY 10. Identifiers: Orphanet 169090, Orphanet 317430, MedGen C2748557, MONDO:0013008, OMIM 612783.
Myopathy with tubular aggregates (TAM). Also called: Tubular Aggregate Myopathy. Identifiers: Orphanet 2593, MedGen C0410207, MONDO:0008051.
Stormorken syndrome (STRMK). Also called: THROMBOCYTOPATHY, ASPLENIA, AND MIOSIS. Identifiers: Orphanet 3204, MedGen C1861451, MONDO:0008497, OMIM 185070.
Inborn genetic diseases. Identifiers: MedGen C0950123, MeSH D030342.

Allele frequency attached by ClinVar (database versions not stated): TOPMed below 0.00001.
gnomAD v4.1: 3 of 1,614,198 alleles (0.00019%); highest among the groups gnomAD compares: East Asian, 0.0022%; no homozygotes.

Submissions (3):

Ambry Genetics
Classification: Uncertain significance for Inborn genetic diseases. Last evaluated: 2024-10-11. Review status: criteria provided, single submitter. Criteria: Ambry Variant Classification Scheme 2023. Collection method: clinical testing. Allele origin: germline.

Labcorp Genetics (formerly Invitae), Labcorp
Classification: Uncertain significance for Myopathy with tubular aggregates; Combined immunodeficiency due to STIM1 deficiency; Stormorken syndrome. Last evaluated: 2024-02-15. Review status: criteria provided, single submitter. Criteria: Invitae Variant Classification Sherloc (09022015). Collection method: clinical testing. Allele origin: germline.
Comment: This sequence change replaces alanine, which is neutral and non-polar, with valine, which is neutral and non-polar, at codon 534 of the STIM1 protein (p.Ala534Val). This variant is not present in population databases (gnomAD no frequency). This variant has not been reported in the literature in individuals affected with STIM1-related conditions. ClinVar contains an entry for this variant (Variation ID: 567209). Advanced modeling of protein sequence and biophysical properties (such as structural, functional, and spatial information, amino acid conservation, physicochemical variation, residue mobility, and thermodynamic stability) performed at Invitae indicates that this missense variant is not expected to disrupt STIM1 protein function with a negative predictive value of 80%. In summary, the available evidence is currently insufficient to determine the role of this variant in disease. Therefore, it has been classified as a Variant of Uncertain Significance.

GeneDx
Classification: Uncertain significance. Last evaluated: 2022-09-30. Review status: criteria provided, single submitter. Criteria: GeneDx Variant Classification Process June 2021. Collection method: clinical testing. Allele origin: germline. Affected: yes.
Comment: Has not been previously published as pathogenic or benign to our knowledge; Not observed at significant frequency in large population cohorts (gnomAD); In silico analysis supports that this missense variant does not alter protein structure/function

NM_001382567.1(STIM1):c.1694C>T (p.Ala565Val)

Gene: STIM1 (stromal interaction molecule 1; plus strand). Cytogenetic location: 11p15.4.
Variant type: single nucleotide variant.
Coding change: c.1694C>T on transcript NM_001382567.1 (MANE Select); coding-DNA position 1694, C replaced by T.
Protein change: p.Ala565Val; replaces alanine 565 with valine.
Molecular consequence: missense variant. On other transcripts: 3 prime UTR variant (4), non-coding transcript variant (3).
Genome position (GRCh38, 1-based): chr11:4,091,341, C>T. VCF-style: chr11-4091341-C-T. GRCh37 (hg19) VCF-style: chr11-4112571-C-T.
Other names: c.1919C>T, p.Ala640Val (NM_001277961.3); c.*15C>T (NM_001277962.2, NM_001382578.1, NM_001382579.1 and 1 more transcripts); c.1697C>T, p.Ala566Val (NM_001382566.1); c.1622C>T, p.Ala541Val (NM_001382568.1); c.1466C>T, p.Ala489Val (NM_001382569.1); c.1373C>T, p.Ala458Val (NM_001382570.1); c.1121C>T, p.Ala374Val (NM_001382571.1); c.1379C>T, p.Ala460Val (NM_001382575.1, NM_001382576.1, NM_001382577.1); and 2 more; short protein forms A534V, A640V, A371V, A374V, A458V, A460V, A489V, A541V.
Identifiers: ClinVar variation 567209 (VCV000567209.14), dbSNP rs1382628661, ClinGen allele CA379196725.